The following is an entry in ClinVar:

NM_001375524.1(TRRAP):c.11518G>A (p.Ala3840Thr)

Gene: TRRAP (transformation/transcription domain associated protein; plus strand). Cytogenetic location: 7q22.1.
Variant type: single nucleotide variant.
Coding change: c.11518G>A on transcript NM_001375524.1 (MANE Select); coding-DNA position 11518, G replaced by A.
Protein change: p.Ala3840Thr; replaces alanine 3840 with threonine.
Molecular consequence: missense variant.
Genome position (GRCh38, 1-based): chr7:99,012,251, G>A. VCF-style: chr7-99012251-G-A. GRCh37 (hg19) VCF-style: chr7-98609874-G-A.
Other names: c.11476G>A, p.Ala3826Thr (NM_001244580.2); c.11389G>A, p.Ala3797Thr (NM_003496.4); short protein forms A3797T, A3826T, A3840T.
Identifiers: ClinVar variation 4807044 (VCV004807044.1).

ClinVar aggregate classification (germline): Uncertain significance (1 of 4 stars; one submission).

gnomAD v4.1: 1 of 1,614,000 alleles (0.000062%); highest among the groups gnomAD compares: Non-Finnish European, 0.000085%; no homozygotes.

Submission:

Labcorp Genetics (formerly Invitae), Labcorp
Classification: Uncertain significance. Last evaluated: 2025-04-26. Review status: criteria provided, single submitter. Criteria: Invitae Variant Classification Sherloc (09022015). Collection method: clinical testing. Allele origin: germline.
Comment: This sequence change replaces alanine, which is neutral and non-polar, with threonine, which is neutral and polar, at codon 3797 of the TRRAP protein (p.Ala3797Thr). This variant is not present in population databases (gnomAD no frequency). This variant has not been reported in the literature in individuals affected with TRRAP-related conditions. Invitae Evidence Modeling of protein sequence and biophysical properties (such as structural, functional, and spatial information, amino acid conservation, physicochemical variation, residue mobility, and thermodynamic stability) indicates that this missense variant is not expected to disrupt TRRAP protein function with a negative predictive value of 80%. In summary, the available evidence is currently insufficient to determine the role of this variant in disease. Therefore, it has been classified as a Variant of Uncertain Significance.